The following is an entry in ClinVar:

ClinVar aggregate classification (germline): Uncertain significance (1 of 4 stars; one submission).

gnomAD v4.1: 2 of 1,613,310 alleles (0.00012%); highest among the groups gnomAD compares: African/African-American, 0.0013%; no homozygotes.

Submission:

Labcorp Genetics (formerly Invitae), Labcorp
Classification: Uncertain significance. Last evaluated: 2025-05-25. Review status: criteria provided, single submitter. Criteria: Invitae Variant Classification Sherloc (09022015). Collection method: clinical testing. Allele origin: germline.
Comment: This sequence change replaces glycine, which is neutral and non-polar, with alanine, which is neutral and non-polar, at codon 195 of the FBLN5 protein (p.Gly195Ala). This variant is not present in population databases (gnomAD no frequency). This variant has not been reported in the literature in individuals affected with FBLN5-related conditions. Invitae Evidence Modeling of protein sequence and biophysical properties (such as structural, functional, and spatial information, amino acid conservation, physicochemical variation, residue mobility, and thermodynamic stability) indicates that this missense variant is expected to disrupt FBLN5 protein function with a positive predictive value of 80%. In summary, the available evidence is currently insufficient to determine the role of this variant in disease. Therefore, it has been classified as a Variant of Uncertain Significance.

NM_006329.4(FBLN5):c.584G>C (p.Gly195Ala)

Gene: FBLN5 (fibulin 5; minus strand). Cytogenetic location: 14q32.12.
Variant type: single nucleotide variant.
Coding change: c.584G>C on transcript NM_006329.4 (MANE Select); coding-DNA position 584, G replaced by C.
Protein change: p.Gly195Ala; replaces glycine 195 with alanine.
Molecular consequence: missense variant.
Genome position (GRCh38, 1-based): chr14:91,891,256, C>G on the plus strand (G>C on the coding strand, the complement: FBLN5 is on the minus strand). VCF-style: chr14-91891256-C-G. GRCh37 (hg19) VCF-style: chr14-92357600-C-G.
Other names: c.707G>C, p.Gly236Ala (NM_001384158.1); c.635G>C, p.Gly212Ala (NM_001384159.1); c.584G>C, p.Gly195Ala (NM_001384160.1); c.416G>C, p.Gly139Ala (NM_001384161.1, NM_001384162.1); short protein forms G212A, G139A, G195A, G236A.
Identifiers: ClinVar variation 4772662 (VCV004772662.1).
Genomic context (GRCh38, chr14:91,891,256, plus strand): 5'-CCAAGTTATCATGCACGTCACATACCTTGGCAAGACCTTCCATCCTCATTGAGGGTAAAA[C>G]CAGGGTTGCATGTACAAGAATAGGATCCAGGAACATTCGCACAGAGCTGCTGGCAGTAAC-3'
Protein context (NP_006320.2, residues 185-205): PGSYSCTCNP[Gly195Ala]FTLNEDGRSC